The following is an entry in ClinVar:

NM_001253697.2(ERBIN):c.1937A>T (p.Glu646Val)

Gene: ERBIN (erbb2 interacting protein; plus strand). Cytogenetic location: 5q12.3.
Variant type: single nucleotide variant.
Coding change: c.1937A>T on transcript NM_001253697.2 (MANE Select); coding-DNA position 1937, A replaced by T.
Protein change: p.Glu646Val; replaces glutamic acid 646 with valine.
Molecular consequence: missense variant.
Genome position (GRCh38, 1-based): chr5:66,050,816, A>T. VCF-style: chr5-66050816-A-T. GRCh37 (hg19) VCF-style: chr5-65346644-A-T.
Other names: c.1937A>T, p.Glu646Val (NM_001006600.3, NM_001253698.2, NM_001253699.2 and 1 more transcripts); c.1925A>T, p.Glu642Val (NM_001253701.2); short protein forms E642V, E646V.
Identifiers: ClinVar variation 1394427 (VCV001394427.6), dbSNP rs2151227419, ClinGen allele CA359863772.

ClinVar aggregate classification (germline): Uncertain significance (1 of 4 stars; one submission).

Submission:

Labcorp Genetics (formerly Invitae), Labcorp
Classification: Uncertain significance. Last evaluated: 2022-08-19. Review status: criteria provided, single submitter. Criteria: Invitae Variant Classification Sherloc (09022015). Collection method: clinical testing. Allele origin: germline.
Comment: Algorithms developed to predict the effect of missense changes on protein structure and function are either unavailable or do not agree on the potential impact of this missense change (SIFT: "Deleterious"; PolyPhen-2: "Probably Damaging"; Align-GVGD: "Class C0"). This sequence change replaces glutamic acid, which is acidic and polar, with valine, which is neutral and non-polar, at codon 646 of the ERBIN protein (p.Glu646Val). This variant is not present in population databases (gnomAD no frequency). This variant has not been reported in the literature in individuals affected with ERBIN-related conditions. ClinVar contains an entry for this variant (Variation ID: 1394427). In summary, the available evidence is currently insufficient to determine the role of this variant in disease. Therefore, it has been classified as a Variant of Uncertain Significance.